The following is an entry in ClinVar:

ClinVar aggregate classification (germline): Uncertain significance (1 of 4 stars; one submission).

Conditions:
Developmental and epileptic encephalopathy, 54. Also called: Epileptic encephalopathy, early infantile, 54; HNRNPU-Related Neurodevelopmental Disorder. Identifiers: MedGen C4479319, MONDO:0033363, OMIM 617391.

gnomAD v4.1: 2 of 1,562,822 alleles (0.00013%); highest among the groups gnomAD compares: South Asian, 0.0011%; no homozygotes.

Submission:

Labcorp Genetics (formerly Invitae), Labcorp
Classification: Uncertain significance for Developmental and epileptic encephalopathy, 54. Last evaluated: 2024-02-01. Review status: criteria provided, single submitter. Criteria: Invitae Variant Classification Sherloc (09022015). Collection method: clinical testing. Allele origin: germline.
Comment: This sequence change replaces glycine, which is neutral and non-polar, with serine, which is neutral and polar, at codon 212 of the HNRNPU protein (p.Gly212Ser). The frequency data for this variant in the population databases is considered unreliable, as metrics indicate poor data quality at this position in the gnomAD database. This variant has not been reported in the literature in individuals affected with HNRNPU-related conditions. Advanced modeling of protein sequence and biophysical properties (such as structural, functional, and spatial information, amino acid conservation, physicochemical variation, residue mobility, and thermodynamic stability) performed at Invitae indicates that this missense variant is not expected to disrupt HNRNPU protein function with a negative predictive value of 80%. In summary, the available evidence is currently insufficient to determine the role of this variant in disease. Therefore, it has been classified as a Variant of Uncertain Significance.

NM_031844.3(HNRNPU):c.634G>A (p.Gly212Ser)

Gene: HNRNPU (heterogeneous nuclear ribonucleoprotein U; minus strand). Cytogenetic location: 1q44.
Variant type: single nucleotide variant.
Coding change: c.634G>A on transcript NM_031844.3 (MANE Select); coding-DNA position 634, G replaced by A.
Protein change: p.Gly212Ser; replaces glycine 212 with serine.
Molecular consequence: missense variant.
Genome position (GRCh38, 1-based): chr1:244,863,674, C>T on the plus strand (G>A on the coding strand, the complement: HNRNPU is on the minus strand). VCF-style: chr1-244863674-C-T. GRCh37 (hg19) VCF-style: chr1-245026976-C-T.
Other names: c.634G>A, p.Gly212Arg (NM_004501.3); short protein forms G212S, G212R.
Identifiers: ClinVar variation 3637971 (VCV003637971.2).